The following is an entry in ClinVar:

ClinVar aggregate classification (germline): Conflicting classifications of pathogenicity. Review status: criteria provided, conflicting classifications (1 of 4 stars). 3 submissions from 3 submitters: Likely pathogenic (1); Uncertain significance (2). Last evaluated 2025-11-23.

Conditions:
Immunodeficiency 83, susceptibility to viral infections. Identifiers: Orphanet 1930, MedGen C2751803, MONDO:0800187, OMIM 613002.
Encephalopathy, acute, infection-induced (herpes-specific), susceptibility to, 1. Also called: Herpes simplex encephalitis, susceptibility to, 1. Identifiers: Orphanet 1930, MedGen C2750180, MONDO:0024563, OMIM 610551.

Allele frequency attached by ClinVar (database versions not stated): gnomAD 0.00002 and 0.00003; TOPMed 0.00003; ExAC 0.00001.

Submissions (3):

Labcorp Genetics (formerly Invitae), Labcorp
Classification: Uncertain significance for Encephalopathy, acute, infection-induced (herpes-specific), susceptibility to, 1. Last evaluated: 2025-11-23. Review status: criteria provided, single submitter. Criteria: Invitae Variant Classification Sherloc (09022015). Collection method: clinical testing. Allele origin: germline.
Comment: This sequence change creates a premature translational stop signal (p.Arg867*) in the TLR3 gene. While this is not anticipated to result in nonsense mediated decay, it is expected to disrupt the last 38 amino acid(s) of the TLR3 protein. This variant is present in population databases (rs745646456, gnomAD 0.005%). This premature translational stop signal has been observed in individual(s) with recurrent episodes of herpes zoster ophthalmicus (PMID: 31268141). ClinVar contains an entry for this variant (Variation ID: 1002005). Experimental studies and prediction algorithms are not available or were not evaluated, and the functional significance of this variant is currently unknown. In summary, the available evidence is currently insufficient to determine the role of this variant in disease. Therefore, it has been classified as a Variant of Uncertain Significance.

Laboratory of Genetics, Children's Clinical University Hospital Latvia
Classification: Uncertain significance. Last evaluated: 2025-02-16. Review status: criteria provided, single submitter. Criteria: ACMG Guidelines, 2015. Collection method: clinical testing. Allele origin: germline. Affected: yes.

CENTOGENE GmbH and LLC - Guiding Precision Medicine
Classification: Likely pathogenic for Immunodeficiency 83, susceptibility to viral infections. Last evaluated: 2019-11-29. Review status: criteria provided, single submitter. Criteria: ACMG Guidelines, 2015. Collection method: clinical testing. Allele origin: germline. Affected: yes.

Literature cited by the submitters: PubMed 31268141 (cited by Labcorp Genetics (formerly Invitae), Labcorp).

NM_003265.3(TLR3):c.2599C>T (p.Arg867Ter)

Gene: TLR3 (toll like receptor 3; plus strand). Cytogenetic location: 4q35.1.
Variant type: single nucleotide variant.
Coding change: c.2599C>T on transcript NM_003265.3 (MANE Select); coding-DNA position 2599, C replaced by T.
Protein change: p.Arg867Ter; replaces arginine 867 with a stop codon.
Molecular consequence: nonsense.
Genome position (GRCh38, 1-based): chr4:186,084,757, C>T. VCF-style: chr4-186084757-C-T. GRCh37 (hg19) VCF-style: chr4-187005911-C-T.
Other names: short protein forms R867*.
Identifiers: ClinVar variation 1002005 (VCV001002005.11), dbSNP rs745646456, ClinGen allele CA3161614.